The following is an entry in ClinVar:

ClinVar aggregate classification (germline): Uncertain significance (1 of 4 stars; one submission).

Conditions:
Hereditary cancer-predisposing syndrome. Also called: Neoplastic Syndromes, Hereditary; Tumor predisposition; Hereditary Cancer Syndrome; Hereditary neoplastic syndrome. Identifiers: Orphanet 140162, MedGen C0027672, MeSH D009386, MONDO:0015356.

Submission:

Ambry Genetics
Classification: Uncertain significance for Hereditary cancer-predisposing syndrome. Last evaluated: 2022-04-02. Review status: criteria provided, single submitter. Criteria: Ambry Variant Classification Scheme 2023. Collection method: clinical testing. Allele origin: germline.
Comment: The p.I55L variant (also known as c.163A>C), located in coding exon 3 of the MRE11A gene, results from an A to C substitution at nucleotide position 163. The isoleucine at codon 55 is replaced by leucine, an amino acid with highly similar properties. This amino acid position is conserved. In addition, the in silico prediction for this alteration is inconclusive. Since supporting evidence is limited at this time, the clinical significance of this alteration remains unclear.

NM_005591.4(MRE11):c.163A>C (p.Ile55Leu)

Gene: MRE11 (MRE11 double strand break repair nuclease; minus strand). Cytogenetic location: 11q21.
Variant type: single nucleotide variant.
Coding change: c.163A>C on transcript NM_005591.4 (MANE Select); coding-DNA position 163, A replaced by C.
Protein change: p.Ile55Leu; replaces isoleucine 55 with leucine.
Molecular consequence: missense variant.
Genome position (GRCh38, 1-based): chr11:94,486,075, T>G on the plus strand (A>C on the coding strand, the complement: MRE11 is on the minus strand). VCF-style: chr11-94486075-T-G. GRCh37 (hg19) VCF-style: chr11-94219241-T-G.
Other names: c.163A>C, p.Ile55Leu (NM_001330347.2, NM_005590.4); short protein forms I55L.
Identifiers: ClinVar variation 1800063 (VCV001800063.2), dbSNP rs2496621679, ClinGen allele CA382379962.